The following is an entry in ClinVar:

ClinVar aggregate classification (germline): Uncertain significance (1 of 4 stars; one submission).

gnomAD v4.1: 2 of 1,614,008 alleles (0.00012%); highest among the groups gnomAD compares: African/African-American, 0.0027%; no homozygotes.

Submission:

GeneDx
Classification: Uncertain significance. Last evaluated: 2025-06-04. Review status: criteria provided, single submitter. Criteria: GeneDx Variant Classification Process June 2021. Collection method: clinical testing. Allele origin: germline. Affected: yes.
Comment: Not observed at significant frequency in large population cohorts (gnomAD); In silico analysis suggests that this missense variant does not alter protein structure/function; Has not been previously published as pathogenic or benign to our knowledge

NM_022455.5(NSD1):c.4009T>G (p.Ser1337Ala)

Gene: NSD1 (nuclear receptor binding SET domain protein 1; plus strand). Cytogenetic location: 5q35.3.
Variant type: single nucleotide variant.
Coding change: c.4009T>G on transcript NM_022455.5 (MANE Select); coding-DNA position 4009, T replaced by G.
Protein change: p.Ser1337Ala; replaces serine 1337 with alanine.
Molecular consequence: missense variant.
Genome position (GRCh38, 1-based): chr5:177,238,324, T>G. VCF-style: chr5-177238324-T-G. GRCh37 (hg19) VCF-style: chr5-176665325-T-G.
Other names: c.3136T>G, p.Ser1046Ala (NM_001365684.2, NM_001409306.1, NM_001409307.1 and 3 more transcripts); c.4009T>G, p.Ser1337Ala (NM_001409301.1, NM_001409302.1, NM_001409303.1); c.3589T>G, p.Ser1197Ala (NM_001409304.1); c.3256T>G, p.Ser1086Ala (NM_001409305.1); short protein forms S1046A, S1086A, S1197A, S1337A.
Identifiers: ClinVar variation 4536365 (VCV004536365.1).